The following is an entry in ClinVar:

NM_001127222.2(CACNA1A):c.832G>T (p.Ala278Ser)

Gene: CACNA1A (calcium voltage-gated channel subunit alpha1 A; minus strand). Cytogenetic location: 19p13.13.
Variant type: single nucleotide variant.
Coding change: c.832G>T on transcript NM_001127222.2 (MANE Select); coding-DNA position 832, G replaced by T.
Protein change: p.Ala278Ser; replaces alanine 278 with serine.
Molecular consequence: missense variant.
Genome position (GRCh38, 1-based): chr19:13,359,752, C>A on the plus strand (G>T on the coding strand, the complement: CACNA1A is on the minus strand). VCF-style: chr19-13359752-C-A. GRCh37 (hg19) VCF-style: chr19-13470566-C-A.
Other names: c.832G>T, p.Ala278Ser (NM_000068.4, NM_001127221.2, NM_001174080.2 and 1 more transcripts); short protein forms A278S.
Identifiers: ClinVar variation 1196454 (VCV001196454.4), dbSNP rs1013100046, ClinGen allele CA305554847.

ClinVar aggregate classification (germline): Uncertain significance (1 of 4 stars; one submission).

Allele frequency attached by ClinVar (database versions not stated): gnomAD 0.00001; TOPMed 0.00001.
gnomAD v4.1: 2 of 1,559,084 alleles (0.00013%); highest among the groups gnomAD compares: Non-Finnish European, 0.00017%; no homozygotes.

Submission:

GeneDx
Classification: Uncertain significance. Last evaluated: 2022-09-14. Review status: criteria provided, single submitter. Criteria: GeneDx Variant Classification Process June 2021. Collection method: clinical testing. Allele origin: germline. Affected: yes.
Comment: Identified in an individual undergoing genetic testing for clinical suspicion of CADASIL, but additional clinical information was not included (Maksemous et al., 2016); Not observed at significant frequency in large population cohorts (gnomAD); In silico analysis supports that this missense variant does not alter protein structure/function; This variant is associated with the following publications: (PMID: 27881154)